The following is an entry in ClinVar:

NM_058172.6(ANTXR2):c.1428+1G>A

Gene: ANTXR2 (ANTXR cell adhesion molecule 2; minus strand). Cytogenetic location: 4q21.21.
Variant type: single nucleotide variant.
Coding change: c.1428+1G>A on transcript NM_058172.6 (MANE Select); the canonical splice donor site of the intron after coding-DNA position 1428, G replaced by A.
Molecular consequence: splice donor variant. On other transcripts: missense variant (1).
Genome position (GRCh38, 1-based): chr4:79,977,620, C>T on the plus strand (G>A on the coding strand, the complement: ANTXR2 is on the minus strand). VCF-style: chr4-79977620-C-T. GRCh37 (hg19) VCF-style: chr4-80898774-C-T.
Other names: c.1429G>A, p.Val477Ile (NM_001145794.2); c.1197+1G>A (NM_001286780.2, NM_001286781.2); short protein forms V477I.
Identifiers: ClinVar variation 1329052 (VCV001329052.1), dbSNP rs2110011671, ClinGen allele CA357471786.

ClinVar aggregate classification (germline): Uncertain significance (1 of 4 stars; one submission).

Submission:

Women's Health and Genetics/Laboratory Corporation of America, LabCorp
Classification: Uncertain significance. Last evaluated: 2021-11-18. Review status: criteria provided, single submitter. Criteria: LabCorp Variant Classification Summary - May 2015. Collection method: clinical testing. Allele origin: germline.
Comment: Variant summary: ANTXR2 c.1428+1G>A is located in a canonical splice-site in last intron 16 (exon 17, p.477G-p.488Q) and is predicted to affect mRNA splicing resulting in a significantly altered protein due to either exon skipping, shortening, or inclusion of intronic material. Several computational tools predict a significant impact on normal splicing: Three predict the variant abolishes a 5 splicing donor site. However, these predictions have yet to be confirmed by functional studies. The variant was absent in 186652 control chromosomes (gnomAD). To our knowledge, no occurrence of c.1428+1G>A in individuals affected with Hyaline Fibromatosis Syndrome and no experimental evidence demonstrating its impact on protein function have been reported. No clinical diagnostic laboratories have submitted clinical-significance assessments for this variant to ClinVar after 2014. Additionally, no variants downstream of this variant were found in patients in HGMD or classified as pathogenic in ClinVar. Based on the evidence outlined above, the variant was classified as VUS-possibly pathogenic.